The following is an entry in ClinVar:

NM_002474.3(MYH11):c.3859-206C>T

Genes: NDE1 (nudE neurodevelopment protein 1; plus strand), MYH11 (myosin heavy chain 11; minus strand). Cytogenetic location: 16p13.11.
Variant type: single nucleotide variant.
Coding change: c.3859-206C>T on transcript NM_002474.3 (MANE Select); 206 bases into the intron before coding-DNA position 3859, C replaced by T.
Molecular consequence: intron variant. On other transcripts: 3 prime UTR variant (2).
Genome position (GRCh38, 1-based): chr16:15,725,198, G>A on the plus strand (C>T on the coding strand, the complement: MYH11 is on the minus strand). VCF-style: chr16-15725198-G-A. GRCh37 (hg19) VCF-style: chr16-15819055-G-A.
Other names: c.*947G>A (NM_001143979.2, NM_017668.3); c.3859-206C>T (NM_022844.3); c.3880-206C>T (NM_001040114.2, NM_001040113.2).
Identifiers: ClinVar variation 318140 (VCV000318140.7), dbSNP rs760023, ClinGen allele CA10643074.
Genomic context (GRCh38, chr16:15,725,198, plus strand): 5'-AAAAAAAAAAAACACACACACACACAAAAAAAACAGAATCTGTGGCTTGAAGGGAACTCC[G>A]TCACCTATGAGTTGGGACCCTGGCCCTAGACTCTGTGGTTCTAAGAACTTATTTGAGCCC-3'

ClinVar aggregate classification (germline): Benign. Review status: criteria provided, multiple submitters, no conflicts (2 of 4 stars). 4 submissions from 3 submitters: Benign (4). Last evaluated 2018-06-14.

Conditions:
Aortic aneurysm, familial thoracic 4 (AAT4). Also called: AORTIC ANEURYSM/AORTIC DISSECTION AND PATENT DUCTUS ARTERIOSUS. Identifiers: MedGen C1851504, MONDO:0007568, OMIM 132900.
Lissencephaly 4 (LIS4). Also called: Lissencephaly 4 (with microcephaly). Identifiers: Orphanet 1083, MedGen C3151461, MONDO:0013527, OMIM 614019.

Allele frequency attached by ClinVar (database versions not stated): gnomAD exomes 0.02601; gnomAD 0.08579 and 0.09015; TOPMed 0.09222; 1000 Genomes Project 0.10124; 1000 Genomes Project 30x 0.10650.
gnomAD v4.1: 25,279 of 617,642 alleles (4.1%); highest among the groups gnomAD compares: African/African-American, 25%; 1,907 homozygotes.

Submissions (4):

GeneDx
Classification: Benign. Last evaluated: 2018-06-14. Review status: criteria provided, single submitter. Criteria: GeneDx Variant Classification (06012015). Collection method: clinical testing. Allele origin: germline. Affected: yes.
Comment: This variant is considered likely benign or benign based on one or more of the following criteria: it is a conservative change, it occurs at a poorly conserved position in the protein, it is predicted to be benign by multiple in silico algorithms, and/or has population frequency not consistent with disease.

Illumina Laboratory Services, Illumina
Classification: Benign for Aortic aneurysm, familial thoracic 4. Last evaluated: 2018-01-12. Review status: criteria provided, single submitter. Criteria: ICSL Variant Classification Criteria 13 December 2019. Collection method: clinical testing. Allele origin: germline.
Comment: This variant was observed in the ICSL laboratory as part of a predisposition screen in an ostensibly healthy population. It had not been previously curated by ICSL or reported in the Human Gene Mutation Database (HGMD: prior to June 1st, 2018), and was therefore a candidate for classification through an automated scoring system. Utilizing variant allele frequency, disease prevalence and penetrance estimates, and inheritance mode, an automated score was calculated to assess if this variant is too frequent to cause the disease. Based on the score and internal cut-off values, a variant classified as benign is not then subjected to further curation. The score for this variant resulted in a classification of benign for this disease.

Illumina Laboratory Services, Illumina
Classification: Benign for Lissencephaly 4. Last evaluated: 2018-01-12. Review status: criteria provided, single submitter. Criteria: ICSL Variant Classification Criteria 13 December 2019. Collection method: clinical testing. Allele origin: germline.
Comment: the same text as in the submission from Illumina Laboratory Services, Illumina above.

Breakthrough Genomics
Classification: Benign. Review status: criteria provided, single submitter. Criteria: ACMG Guidelines, 2015. Collection method: not provided. Allele origin: germline. Inheritance: Autosomal recessive inheritance. Affected: yes.